The following is an entry in ClinVar:

NM_001739.2(CA5A):c.647A>C (p.Asp216Ala)

Gene: CA5A (carbonic anhydrase 5A; minus strand). Cytogenetic location: 16q24.2.
Variant type: single nucleotide variant.
Coding change: c.647A>C on transcript NM_001739.2 (MANE Select); coding-DNA position 647, A replaced by C.
Protein change: p.Asp216Ala; replaces aspartic acid 216 with alanine.
Molecular consequence: missense variant. On other transcripts: non-coding transcript variant (2).
Genome position (GRCh38, 1-based): chr16:87,891,926, T>G on the plus strand (A>C on the coding strand, the complement: CA5A is on the minus strand). VCF-style: chr16-87891926-T-G. GRCh37 (hg19) VCF-style: chr16-87925532-T-G.
Other names: c.647A>C (NM_001739.1); c.647A>C, p.Asp216Ala (NM_001367225.1); short protein forms D216A.
Identifiers: ClinVar variation 2161429 (VCV002161429.2), dbSNP rs1344761438, ClinGen allele CA397039995.
Genomic context (GRCh38, chr16:87,891,926, plus strand): 5'-GTGGTGAGCGAGCCCGCGTAGGTCCAGTAATCCCAGCAGGTGGGCAGCAGAGTGGAGGGG[T>G]CGAAGGGGCGCATGGCCGCCCGCGCGTCCTGAGAGACCGAGAAGCACAGGACGTGTCAGT-3'
Protein context (NP_001730.1, residues 206-226): KDARAAMRPF[Asp216Ala]PSTLLPTCWD

ClinVar aggregate classification (germline): Uncertain significance. Review status: criteria provided, multiple submitters, no conflicts (2 of 4 stars). 2 submissions from 2 submitters: Uncertain significance (2). Last evaluated 2025-05-17.

Conditions:
Hyperammonemic encephalopathy due to carbonic anhydrase VA deficiency. Also called: Carbonic anhydrase VA deficiency, hyperammonemia due to; Carbonic Anhydrase VA Deficiency. Identifiers: Orphanet 401948, MedGen C4706871, MONDO:0014332, OMIM 615751.
Inborn genetic diseases. Identifiers: MedGen C0950123, MeSH D030342.

Allele frequency attached by ClinVar (database versions not stated): gnomAD 0.00001.
gnomAD v4.1: 7 of 1,555,458 alleles (0.00045%); highest among the groups gnomAD compares: Admixed American, 0.0079%; no homozygotes.

Submissions (2):

Ambry Genetics
Classification: Uncertain significance for Inborn genetic diseases. Last evaluated: 2025-05-17. Review status: criteria provided, single submitter. Criteria: Ambry Variant Classification Scheme 2023. Collection method: clinical testing. Allele origin: germline.

Labcorp Genetics (formerly Invitae), Labcorp
Classification: Uncertain significance for Hyperammonemic encephalopathy due to carbonic anhydrase VA deficiency. Last evaluated: 2022-05-03. Review status: criteria provided, single submitter. Criteria: Invitae Variant Classification Sherloc (09022015). Collection method: clinical testing. Allele origin: germline.
Comment: This sequence change replaces aspartic acid, which is acidic and polar, with alanine, which is neutral and non-polar, at codon 216 of the CA5A protein (p.Asp216Ala). This variant is not present in population databases (gnomAD no frequency). This variant has not been reported in the literature in individuals affected with CA5A-related conditions. Algorithms developed to predict the effect of missense changes on protein structure and function are either unavailable or do not agree on the potential impact of this missense change (SIFT: "Deleterious"; PolyPhen-2: "Possibly Damaging"; Align-GVGD: "Class C15"). In summary, the available evidence is currently insufficient to determine the role of this variant in disease. Therefore, it has been classified as a Variant of Uncertain Significance.